The following is an entry in ClinVar:

NM_001292063.2(OTOG):c.1213+14A>C

Gene: OTOG (otogelin; plus strand). Cytogenetic location: 11p15.1.
Variant type: single nucleotide variant.
Coding change: c.1213+14A>C on transcript NM_001292063.2 (MANE Select); 14 bases into the intron after coding-DNA position 1213, A replaced by C.
Molecular consequence: intron variant.
Genome position (GRCh38, 1-based): chr11:17,559,175, A>C. VCF-style: chr11-17559175-A-C. GRCh37 (hg19) VCF-style: chr11-17580722-A-C.
Other names: c.1249+14A>C (NM_001277269.2).
Identifiers: ClinVar variation 504780 (VCV000504780.17), dbSNP rs143302987, ClinGen allele CA5905461.

ClinVar aggregate classification (germline): Benign/Likely benign. Review status: criteria provided, multiple submitters, no conflicts (2 of 4 stars). 4 submissions from 4 submitters: Benign (1); Likely benign (3). Last evaluated 2026-01-01.

Allele frequency attached by ClinVar (database versions not stated): ExAC 0.00110; gnomAD 0.00290; 1000 Genomes Project 30x 0.00297; 1000 Genomes Project 0.00319; TOPMed 0.00349.

Submissions (4):

Labcorp Genetics (formerly Invitae), Labcorp
Classification: Benign. Last evaluated: 2026-01-01. Review status: criteria provided, single submitter. Criteria: Invitae Variant Classification Sherloc (09022015). Collection method: clinical testing. Allele origin: germline.

Blueprint Genetics
Classification: Likely benign. Last evaluated: 2024-09-09. Review status: criteria provided, single submitter. Criteria: ACMG Guidelines, 2015. Collection method: clinical testing. Allele origin: germline.

GeneDx
Classification: Likely benign. Last evaluated: 2018-12-10. Review status: criteria provided, single submitter. Criteria: GeneDx Variant Classification Process June 2021. Collection method: clinical testing. Allele origin: germline. Affected: yes.

Laboratory for Molecular Medicine, Mass General Brigham Personalized Medicine
Classification: Likely benign. Last evaluated: 2016-10-13. Review status: criteria provided, single submitter. Criteria: LMM Criteria. Collection method: clinical testing. Allele origin: germline. Observed: 2 variant alleles.
Comment: c.1249+14A>C in intron 10 of OTOG: This variant is not expected to have clinical significance because it is not located within the conserved splice consensus se quence. It has been identified in 1.4% (9/646) of African chromosomes by the Exo me Aggregation Consortium (ExAC; dbSNP rs1433029 87).